The following is an entry in ClinVar:

ClinVar aggregate classification (germline): Likely benign (1 of 4 stars; one submission).

Allele frequency attached by ClinVar (database versions not stated): ExAC 0.00011.
gnomAD v4.1: 139 of 1,614,044 alleles (0.0086%); highest among the groups gnomAD compares: Middle Eastern, 0.099%; no homozygotes.

Submission:

CeGaT Center for Human Genetics Tuebingen
Classification: Likely benign. Last evaluated: 2022-09-01. Review status: criteria provided, single submitter. Criteria: CeGaT Center For Human Genetics Tuebingen Variant Classification Criteria Version 2. Collection method: clinical testing. Allele origin: germline. Affected: yes. Observed: 1 variant allele.
Comment: SIRAL2: BP4, BP7

NM_017911.4(SIRAL2):c.168C>T (p.Ile56=)

Gene: SIRAL2 (SIR2 antiphage like 2; plus strand). Cytogenetic location: 22q13.31.
Variant type: single nucleotide variant.
Coding change: c.168C>T on transcript NM_017911.4 (MANE Select); coding-DNA position 168, C replaced by T.
Protein change: p.Ile56=; no amino-acid change (isoleucine 56 retained).
Molecular consequence: synonymous variant. On other transcripts: non-coding transcript variant (1).
Genome position (GRCh38, 1-based): chr22:45,323,295, C>T. VCF-style: chr22-45323295-C-T. GRCh37 (hg19) VCF-style: chr22-45719176-C-T.
Other names: c.168C>T, p.Ile56= (NM_001104595.2, NM_001349913.2, NM_001349915.2); c.171C>T, p.Ile57= (NM_001349914.2); c.210C>T, p.Ile70= (NM_001349916.2).
Identifiers: ClinVar variation 2653284 (VCV002653284.24), dbSNP rs201830437, ClinGen allele CA10284641.